The following is an entry in ClinVar:

NM_001382391.1(CSPP1):c.1550G>A (p.Arg517Gln)

Gene: CSPP1 (centrosome and spindle pole associated protein 1; plus strand). Cytogenetic location: 8q13.2.
Variant type: single nucleotide variant.
Coding change: c.1550G>A on transcript NM_001382391.1 (MANE Select); coding-DNA position 1550, G replaced by A.
Protein change: p.Arg517Gln; replaces arginine 517 with glutamine.
Molecular consequence: missense variant.
Genome position (GRCh38, 1-based): chr8:67,118,301, G>A. VCF-style: chr8-67118301-G-A. GRCh37 (hg19) VCF-style: chr8-68030536-G-A.
Other names: c.653G>A, p.Arg218Gln (NM_001291339.2); c.1469G>A, p.Arg490Gln (NM_001363131.2); c.1508G>A, p.Arg503Gln (NM_001363132.2); c.1427G>A, p.Arg476Gln (NM_001363133.2); c.1616G>A, p.Arg539Gln (NM_001364869.1); c.1436G>A, p.Arg479Gln (NM_001364870.1); c.1535G>A, p.Arg512Gln (NM_024790.7); short protein forms R218Q, R476Q, R479Q, R503Q, R512Q, R517Q, R539Q, R490Q.
Identifiers: ClinVar variation 1442893 (VCV001442893.8), dbSNP rs778430027, ClinGen allele CA4770573.

ClinVar aggregate classification (germline): Uncertain significance (1 of 4 stars; one submission).

Conditions:
Joubert syndrome 21 (JBTS21). Identifiers: MedGen C3810212, MONDO:0014288, OMIM 615636.

Allele frequency attached by ClinVar (database versions not stated): gnomAD 0.00001; gnomAD exomes 0.00002 and 0.00003; TOPMed 0.00002; ExAC 0.00003.
gnomAD v4.1: 34 of 1,613,064 alleles (0.0021%); highest among the groups gnomAD compares: Non-Finnish European, 0.0025%; no homozygotes.

Submission:

Labcorp Genetics (formerly Invitae), Labcorp
Classification: Uncertain significance for Joubert syndrome 21. Last evaluated: 2024-11-05. Review status: criteria provided, single submitter. Criteria: Invitae Variant Classification Sherloc (09022015). Collection method: clinical testing. Allele origin: germline.
Comment: This sequence change replaces arginine, which is basic and polar, with glutamine, which is neutral and polar, at codon 512 of the CSPP1 protein (p.Arg512Gln). This variant is present in population databases (rs778430027, gnomAD 0.01%). This variant has not been reported in the literature in individuals affected with CSPP1-related conditions. ClinVar contains an entry for this variant (Variation ID: 1442893). An algorithm developed to predict the effect of missense changes on protein structure and function (PolyPhen-2) suggests that this variant is likely to be disruptive. In summary, the available evidence is currently insufficient to determine the role of this variant in disease. Therefore, it has been classified as a Variant of Uncertain Significance.